The following is an entry in ClinVar:

NM_003242.6(TGFBR2):c.135C>T (p.Val45=)

Gene: TGFBR2 (transforming growth factor beta receptor 2; plus strand). Cytogenetic location: 3p24.1.
Variant type: single nucleotide variant.
Coding change: c.135C>T on transcript NM_003242.6 (MANE Select); coding-DNA position 135, C replaced by T.
Protein change: p.Val45=; no amino-acid change (valine 45 retained).
Molecular consequence: synonymous variant. On other transcripts: intron variant (2).
Genome position (GRCh38, 1-based): chr3:30,644,787, C>T. VCF-style: chr3-30644787-C-T. GRCh37 (hg19) VCF-style: chr3-30686279-C-T.
Other names: c.210C>T, p.Val70= (NM_001024847.3, NM_001407126.1, NM_001407139.1); c.135C>T, p.Val45= (NM_001407127.1, NM_001407130.1); c.162C>T, p.Val54= (NM_001407128.1); c.30C>T, p.Val10= (NM_001407129.1, NM_001407132.1, NM_001407133.1 and 3 more transcripts); c.169+21514C>T (NM_001407137.1); c.95-26851C>T (NM_001407138.1).
Identifiers: ClinVar variation 745971 (VCV000745971.13), dbSNP rs1575143681, ClinGen allele CA432917307.
Genomic context (GRCh38, chr3:30,644,787, plus strand): 5'-ATATCTTTCTCTCTCCTCAGTTAATAACGACATGATAGTCACTGACAACAACGGTGCAGT[C>T]AAGTTTCCACAACTGTGTAAATTTTGTGATGTGAGATTTTCCACCTGTGACAACCAGAAA-3'
Protein context (NP_003233.4, residues 35-55): DMIVTDNNGA[Val45=]KFPQLCKFCD

ClinVar aggregate classification (germline): Likely benign. Review status: criteria provided, multiple submitters, no conflicts (2 of 4 stars). 4 submissions from 4 submitters: Likely benign (3). 1 of the submissions does not count toward it. Last evaluated 2025-07-29.

Conditions:
Diabetic retinopathy. Identifiers: MedGen C0011884, MONDO:0005266.
Familial thoracic aortic aneurysm and aortic dissection (TAAD). Also called: Thoracic aortic aneurysms and dissections. Identifiers: Orphanet 91387, MedGen C4707243, MONDO:0019625.
TGFBR2-related disorder. Also called: TGFBR2-related condition.

Submissions (4):

Ambry Genetics
Classification: Likely benign for Familial thoracic aortic aneurysm and aortic dissection. Last evaluated: 2025-07-29. Review status: criteria provided, single submitter. Criteria: Ambry Variant Classification Scheme 2023. Collection method: clinical testing. Allele origin: germline.

Labcorp Genetics (formerly Invitae), Labcorp
Classification: Likely benign for Familial thoracic aortic aneurysm and aortic dissection. Last evaluated: 2021-02-14. Review status: criteria provided, single submitter. Criteria: Invitae Variant Classification Sherloc (09022015). Collection method: clinical testing. Allele origin: germline.

Clinical Genomics, Uppaluri K&H Personalized Medicine Clinic
Classification: Likely benign for Diabetic retinopathy. Review status: criteria provided, single submitter. Criteria: K And H Uppaluri Personalized Medicine Clinic Variant Classification And Assertion Criteria Updated V 2. Collection method: research. Allele origin: unknown.
Comment: Potent mutations in TGFBR2 gene encodes the transforming growth factor that have been associated with angiogenesis and diabetic retinopathy. More clinical studies are needed for stronger association. However, more evidence is required to confer the association of this particular variant rs1575143681 with diabetic retinopathy.

PreventionGenetics, part of Exact Sciences
Classification: Likely benign for TGFBR2-related condition. Last evaluated: 2021-11-18. Review status: no assertion criteria provided. Collection method: clinical testing. Allele origin: germline. Not counted in ClinVar's aggregate classification.
Comment: This variant is classified as likely benign based on ACMG/AMP sequence variant interpretation guidelines (Richards et al. 2015 PMID: 25741868, with internal and published modifications).

Literature cited by the submitters: PubMed 30222965 (cited by Clinical Genomics, Uppaluri K&H Personalized Medicine Clinic); PubMed 28162229 (cited by Clinical Genomics, Uppaluri K&H Personalized Medicine Clinic); PubMed 34572573 (cited by Clinical Genomics, Uppaluri K&H Personalized Medicine Clinic).